The following is an entry in ClinVar:

NC_000001.10:g.(?_103388872)_(103388965_?)del

Gene: COL11A1 (collagen type XI alpha 1 chain; minus strand). Cytogenetic location: 1p21.1.
Variant type: Deletion.
Identifiers: ClinVar variation 2424273 (VCV002424273.4).

ClinVar aggregate classification (germline): Pathogenic (1 of 4 stars; one submission).

Submission:

Labcorp Genetics (formerly Invitae), Labcorp
Classification: Pathogenic. Last evaluated: 2021-12-28. Review status: criteria provided, single submitter. Criteria: Invitae Variant Classification Sherloc (09022015). Collection method: clinical testing. Allele origin: germline.
Comment: For these reasons, this variant has been classified as Pathogenic. This variant disrupts a region of the COL11A1 protein in which other variant(s) (p.Lys1209_Glu1211del) have been determined to be pathogenic (PMID: 25091507). This suggests that this is a clinically significant region of the protein, and that variants that disrupt it are likely to be disease-causing. This variant has not been reported in the literature in individuals affected with COL11A1-related conditions. This variant is a gross deletion of the genomic region encompassing exon(s) 47 of the COL11A1 gene. This variant would be expected to be in-frame, preserving the integrity of the reading frame.

Literature cited by the submitters: PubMed 25091507.